The following is an entry in ClinVar:

ClinVar aggregate classification (germline): Likely benign. Review status: criteria provided, multiple submitters, no conflicts (2 of 4 stars). 5 submissions from 5 submitters: Likely benign (4). 1 of the submissions does not count toward it. Last evaluated 2025-12-16.

Conditions:
SEC63-related disorder. Also called: SEC63-related condition.
Polycystic liver disease 2 (PCLD2). Also called: Polycystic liver disease 2 with or without kidney cysts. Identifiers: Orphanet 2924, MedGen C4310769, MONDO:0014860, OMIM 617004.

Allele frequency attached by ClinVar (database versions not stated): gnomAD exomes 0.00016 and 0.00029; ExAC 0.00024; 1000 Genomes Project 30x 0.00031; gnomAD 0.00035 and 0.00036; 1000 Genomes Project 0.00040; ESP Exome Variant Server 0.00046; TOPMed 0.00051.
gnomAD v4.1: 297 of 1,564,148 alleles (0.019%); highest among the groups gnomAD compares: Middle Eastern, 0.2%; no homozygotes.

Submissions (5):

Labcorp Genetics (formerly Invitae), Labcorp
Classification: Likely benign. Last evaluated: 2025-12-16. Review status: criteria provided, single submitter. Criteria: Invitae Variant Classification Sherloc (09022015). Collection method: clinical testing. Allele origin: germline.

Blueprint Genetics
Classification: Likely benign. Last evaluated: 2024-11-25. Review status: criteria provided, single submitter. Criteria: ACMG Guidelines, 2015. Collection method: clinical testing. Allele origin: germline.

Fulgent Genetics
Classification: Likely benign for Polycystic liver disease 2. Last evaluated: 2022-01-06. Review status: criteria provided, single submitter. Criteria: ACMG Guidelines, 2015. Collection method: clinical testing. Allele origin: unknown.

Illumina Laboratory Services, Illumina
Classification: Likely benign for Polycystic liver disease 2. Last evaluated: 2018-01-13. Review status: criteria provided, single submitter. Criteria: ICSL Variant Classification Criteria 13 December 2019. Collection method: clinical testing. Allele origin: germline.
Comment: This variant was observed in the ICSL laboratory as part of a predisposition screen in an ostensibly healthy population. It had not been previously curated by ICSL or reported in the Human Gene Mutation Database (HGMD: prior to June 1st, 2018), and was therefore a candidate for classification through an automated scoring system. Utilizing variant allele frequency, disease prevalence and penetrance estimates, and inheritance mode, an automated score was calculated to assess if this variant is too frequent to cause the disease. Based on the score and internal cut-off values, a variant classified as likely benign is not then subjected to further curation. The score for this variant resulted in a classification of likely benign for this disease.

PreventionGenetics, part of Exact Sciences
Classification: Likely benign for SEC63-related condition. Last evaluated: 2022-04-01. Review status: no assertion criteria provided. Collection method: clinical testing. Allele origin: germline. Not counted in ClinVar's aggregate classification.
Comment: This variant is classified as likely benign based on ACMG/AMP sequence variant interpretation guidelines (Richards et al. 2015 PMID: 25741868, with internal and published modifications).

NM_007214.5(SEC63):c.230T>C (p.Ile77Thr)

Gene: SEC63 (SEC63 protein translocation regulator; minus strand). Cytogenetic location: 6q21.
Variant type: single nucleotide variant.
Coding change: c.230T>C on transcript NM_007214.5 (MANE Select); coding-DNA position 230, T replaced by C.
Protein change: p.Ile77Thr; replaces isoleucine 77 with threonine.
Molecular consequence: missense variant.
Genome position (GRCh38, 1-based): chr6:107,924,927, A>G on the plus strand (T>C on the coding strand, the complement: SEC63 is on the minus strand). VCF-style: chr6-107924927-A-G. GRCh37 (hg19) VCF-style: chr6-108246131-A-G.
Other names: short protein forms I77T.
Identifiers: ClinVar variation 354918 (VCV000354918.13), dbSNP rs140251976, ClinGen allele CA3947793.
Genomic context (GRCh38, chr6:107,924,927, plus strand): 5'-TCTGTTTTGGAAACTTTATATGCAAGGAATAAGAACAATGCCCATCCTGCAAGCAGAACT[A>G]TTTTCCTGTTTAGGAAAAAGGTAAGTGAATCATAAACAAATACATCTGCATAGAGTCTAA-3'
Protein context (NP_009145.1, residues 67-87): QPNIIPTVKK[Ile77Thr]VLLAGWALFL